The following is an entry in ClinVar:

ClinVar aggregate classification (germline): Likely benign. Review status: reviewed by expert panel (3 of 4 stars). 5 submissions from 5 submitters: Likely benign (1). 4 of the submissions do not count toward it. Last evaluated 2017-06-29.

Conditions:
Hereditary cancer-predisposing syndrome. Also called: Tumor predisposition; Hereditary Cancer Syndrome; Hereditary neoplastic syndrome; Neoplastic Syndromes, Hereditary. Identifiers: Orphanet 140162, MedGen C0027672, MeSH D009386, MONDO:0015356.
Hereditary breast ovarian cancer syndrome. Also called: Breast and ovarian cancer; Hereditary breast and ovarian cancer syndrome; Hereditary breast and ovarian cancer; BRCA1- and BRCA2-Associated Hereditary Breast and Ovarian Cancer; Hereditary breast and ovarian cancer syndrome (HBOC); Hereditary breast and/or ovarian cancer syndrome. Identifiers: Orphanet 145, MedGen C0677776, MeSH D061325, MONDO:0003582. Disease mechanism: loss of function.
Breast-ovarian cancer, familial, susceptibility to, 2 (BROVCA2). Also called: BRCA2 Hereditary Breast and Ovarian Cancer. Identifiers: Orphanet 145, MedGen C2675520, MONDO:0012933, OMIM 612555. Disease mechanism: loss of function.

Allele frequency attached by ClinVar (database versions not stated): gnomAD exomes below 0.00001.
gnomAD v4.1: 1 of 1,594,084 alleles (0.000063%); highest among the groups gnomAD compares: Non-Finnish European, 0.000085%; no homozygotes.

Submissions (5):

Evidence-based Network for the Interpretation of Germline Mutant Alleles (ENIGMA)
Classification: Likely benign for Breast-ovarian cancer, familial, susceptibility to, 2. Last evaluated: 2017-06-29. Review status: reviewed by expert panel. Criteria: ENIGMA BRCA1/2 Classification Criteria (2017-06-29). Collection method: curation. Allele origin: germline.
Comment: Synonymous substitution variant, with low bioinformatic likelihood to result in a splicing aberration (Splicing prior probability 0.02).

Labcorp Genetics (formerly Invitae), Labcorp
Classification: Likely benign for Hereditary breast ovarian cancer syndrome. Last evaluated: 2025-11-10. Review status: criteria provided, single submitter. Criteria: Invitae Variant Classification Sherloc (09022015). Collection method: clinical testing. Allele origin: germline. Not counted in ClinVar's aggregate classification.

Quest Diagnostics Nichols Institute San Juan Capistrano
Classification: Likely benign. Last evaluated: 2023-05-11. Review status: criteria provided, single submitter. Criteria: Quest Diagnostics criteria. Collection method: clinical testing. Allele origin: unknown. Not counted in ClinVar's aggregate classification.

Sema4
Classification: Likely benign for Hereditary cancer-predisposing syndrome. Last evaluated: 2021-08-18. Review status: criteria provided, single submitter. Criteria: Sema4 Curation Guidelines. Collection method: curation. Allele origin: germline. Not counted in ClinVar's aggregate classification.

Ambry Genetics
Classification: Likely benign for Hereditary cancer-predisposing syndrome. Last evaluated: 2016-08-09. Review status: criteria provided, single submitter. Criteria: Ambry Variant Classification Scheme 2023. Collection method: clinical testing. Allele origin: germline. Not counted in ClinVar's aggregate classification.

NM_000059.4(BRCA2):c.6435T>C (p.Asn2145=)

Gene: BRCA2 (BRCA2 DNA repair associated; plus strand). Cytogenetic location: 13q13.1.
Variant type: single nucleotide variant.
Coding change: c.6435T>C on transcript NM_000059.4 (MANE Select); coding-DNA position 6435, T replaced by C.
Protein change: p.Asn2145=; no amino-acid change (asparagine 2145 retained).
Molecular consequence: synonymous variant.
Genome position (GRCh38, 1-based): chr13:32,340,790, T>C. VCF-style: chr13-32340790-T-C. GRCh37 (hg19) VCF-style: chr13-32914927-T-C.
Identifiers: ClinVar variation 184379 (VCV000184379.17), dbSNP rs786201430, ClinGen allele CA024032.